The following is an entry in ClinVar:

NM_020822.3(KCNT1):c.1619+18C>T

Gene: KCNT1 (potassium sodium-activated channel subfamily T member 1; plus strand). Cytogenetic location: 9q34.3.
Variant type: single nucleotide variant.
Coding change: c.1619+18C>T on transcript NM_020822.3 (MANE Select); 18 bases into the intron after coding-DNA position 1619, C replaced by T.
Molecular consequence: intron variant.
Genome position (GRCh38, 1-based): chr9:135,770,073, C>T. VCF-style: chr9-135770073-C-T. GRCh37 (hg19) VCF-style: chr9-138661919-C-T.
Other names: c.1484+18C>T (NM_001272003.2).
Identifiers: ClinVar variation 384497 (VCV000384497.12), dbSNP rs183348093, ClinGen allele CA5326977.

ClinVar aggregate classification (germline): Benign/Likely benign. Review status: criteria provided, multiple submitters, no conflicts (2 of 4 stars). 6 submissions from 5 submitters: Benign (1); Likely benign (5). Last evaluated 2026-01-26.

Conditions:
Developmental and epileptic encephalopathy, 14 (DEE14). Also called: Early infantile epileptic encephalopathy 14. Identifiers: Orphanet 293181, MedGen C3554195, MONDO:0013989, OMIM 614959.
Autosomal dominant nocturnal frontal lobe epilepsy 5. Also called: KCNT1-Related Epilepsy; CILIARY DYSKINESIA, PRIMARY, 28, WITHOUT SITUS INVERSUS; CILIARY DYSKINESIA, PRIMARY, 28, WITH SITUS INVERSUS; Epilepsy, nocturnal frontal lobe, 5. Identifiers: Orphanet 98784, MedGen C3554306, MONDO:0014002, OMIM 615005.

Allele frequency attached by ClinVar (database versions not stated): gnomAD exomes 0.00016; ExAC 0.00035; ESP Exome Variant Server 0.00040; 1000 Genomes Project 30x 0.00047; 1000 Genomes Project 0.00060; gnomAD 0.00065 and 0.00074; TOPMed 0.00086.
gnomAD v4.1: 211 of 1,540,870 alleles (0.014%); highest among the groups gnomAD compares: African/African-American, 0.22%; 1 homozygote.

Submissions (6):

Labcorp Genetics (formerly Invitae), Labcorp
Classification: Benign for Autosomal dominant nocturnal frontal lobe epilepsy 5; Developmental and epileptic encephalopathy, 14. Last evaluated: 2026-01-26. Review status: criteria provided, single submitter. Criteria: Invitae Variant Classification Sherloc (09022015). Collection method: clinical testing. Allele origin: germline.

Genome-Nilou Lab
Classification: Likely benign for Developmental and epileptic encephalopathy, 14. Last evaluated: 2022-03-15. Review status: criteria provided, single submitter. Criteria: ACMG Guidelines, 2015. Collection method: clinical testing. Allele origin: germline. Affected: no.

Genome-Nilou Lab
Classification: Likely benign for Autosomal dominant nocturnal frontal lobe epilepsy 5. Last evaluated: 2022-03-15. Review status: criteria provided, single submitter. Criteria: ACMG Guidelines, 2015. Collection method: clinical testing. Allele origin: germline. Affected: no.

Blueprint Genetics
Classification: Likely benign. Last evaluated: 2021-08-25. Review status: criteria provided, single submitter. Criteria: ACMG Guidelines, 2015. Collection method: clinical testing. Allele origin: germline.

GeneDx
Classification: Likely benign. Last evaluated: 2018-02-27. Review status: criteria provided, single submitter. Criteria: GeneDx Variant Classification (06012015). Collection method: clinical testing. Allele origin: germline. Affected: yes.
Comment: This variant is considered likely benign or benign based on one or more of the following criteria: it is a conservative change, it occurs at a poorly conserved position in the protein, it is predicted to be benign by multiple in silico algorithms, and/or has population frequency not consistent with disease.

Breakthrough Genomics
Classification: Likely benign. Review status: criteria provided, single submitter. Criteria: ACMG Guidelines, 2015. Collection method: not provided. Allele origin: germline. Inheritance: Autosomal dominant inheritance. Affected: yes.